The following is an entry in ClinVar:

ClinVar aggregate classification (germline): Likely benign. Review status: criteria provided, multiple submitters, no conflicts (2 of 4 stars). 3 submissions from 3 submitters: Likely benign (2). 1 of the submissions does not count toward it. Last evaluated 2022-04-15.

Conditions:
KATNB1-related disorder. Also called: KATNB1-related condition.

Allele frequency attached by ClinVar (database versions not stated): gnomAD 0.00004; TOPMed 0.00005; gnomAD exomes 0.00006; ESP Exome Variant Server 0.00008; ExAC 0.00009; 1000 Genomes Project 30x 0.00016; 1000 Genomes Project 0.00020.

Submissions (3):

Labcorp Genetics (formerly Invitae), Labcorp
Classification: Likely benign. Last evaluated: 2022-04-15. Review status: criteria provided, single submitter. Criteria: Invitae Variant Classification Sherloc (09022015). Collection method: clinical testing. Allele origin: germline.

GeneDx
Classification: Likely benign. Last evaluated: 2021-01-05. Review status: criteria provided, single submitter. Criteria: GeneDx Variant Classification Process June 2021. Collection method: clinical testing. Allele origin: germline. Affected: yes.

PreventionGenetics, part of Exact Sciences
Classification: Likely benign for KATNB1-related condition. Last evaluated: 2023-06-30. Review status: no assertion criteria provided. Collection method: clinical testing. Allele origin: germline. Not counted in ClinVar's aggregate classification.
Comment: This variant is classified as likely benign based on ACMG/AMP sequence variant interpretation guidelines (Richards et al. 2015 PMID: 25741868, with internal and published modifications).

NM_005886.3(KATNB1):c.1122G>A (p.Ala374=)

Gene: KATNB1 (katanin regulatory subunit B1; plus strand). Cytogenetic location: 16q21.
Variant type: single nucleotide variant.
Coding change: c.1122G>A on transcript NM_005886.3 (MANE Select); coding-DNA position 1122, G replaced by A.
Protein change: p.Ala374=; no amino-acid change (alanine 374 retained).
Molecular consequence: synonymous variant.
Genome position (GRCh38, 1-based): chr16:57,753,464, G>A. VCF-style: chr16-57753464-G-A. GRCh37 (hg19) VCF-style: chr16-57787376-G-A.
Identifiers: ClinVar variation 1223435 (VCV001223435.10), dbSNP rs371910703, ClinGen allele CA8081036.